The following is an entry in ClinVar:

NM_018557.3(LRP1B):c.8130A>C (p.Gly2710=)

Gene: LRP1B (LDL receptor related protein 1B; minus strand). Cytogenetic location: 2q22.1.
Variant type: single nucleotide variant.
Coding change: c.8130A>C on transcript NM_018557.3 (MANE Select); coding-DNA position 8130, A replaced by C.
Protein change: p.Gly2710=; no amino-acid change (glycine 2710 retained).
Molecular consequence: synonymous variant.
Genome position (GRCh38, 1-based): chr2:140,516,908, T>G on the plus strand (A>C on the coding strand, the complement: LRP1B is on the minus strand). VCF-style: chr2-140516908-T-G. GRCh37 (hg19) VCF-style: chr2-141274477-T-G.
Identifiers: ClinVar variation 3050979 (VCV003050979.2), dbSNP rs148256177, ClinGen allele CA1894091.
Genomic context (GRCh38, chr2:140,516,908, plus strand): 5'-TAGTAAGGTTAACAAAAACTAAGCTAAATACAATGTCTCACCACAGTGGAATTCATCACG[T>G]CCATCCTCACAATCTTTCTGACCATCGCATATCCAGGTATTCAAAATGCATCTTCCACTA-3'
Protein context (NP_061027.2, residues 2700-2720): ICDGQKDCED[Gly2710=]RDEFHCDSSC

ClinVar aggregate classification (germline): Likely benign (0 of 4 stars; one submission).

Conditions:
LRP1B-related disorder. Also called: LRP1B-related condition.

Allele frequency attached by ClinVar (database versions not stated): TOPMed 0.00020; ESP Exome Variant Server 0.00023; gnomAD 0.00032; 1000 Genomes Project 30x 0.00062; 1000 Genomes Project 0.00080.
gnomAD v4.1: 669 of 1,613,456 alleles (0.041%); highest among the groups gnomAD compares: South Asian, 0.39%; 2 homozygotes.

Submission:

PreventionGenetics, part of Exact Sciences
Classification: Likely benign for LRP1B-related condition. Last evaluated: 2019-02-21. Review status: no assertion criteria provided. Collection method: clinical testing. Allele origin: germline.
Comment: This variant is classified as likely benign based on ACMG/AMP sequence variant interpretation guidelines (Richards et al. 2015 PMID: 25741868, with internal and published modifications).